The following is an entry in ClinVar:

NM_001374353.1(GLI2):c.4571C>A (p.Ser1524Tyr)

Gene: GLI2 (GLI family zinc finger 2; plus strand). Cytogenetic location: 2q14.2.
Variant type: single nucleotide variant.
Coding change: c.4571C>A on transcript NM_001374353.1 (MANE Select); coding-DNA position 4571, C replaced by A.
Protein change: p.Ser1524Tyr; replaces serine 1524 with tyrosine.
Molecular consequence: missense variant.
Genome position (GRCh38, 1-based): chr2:120,990,536, C>A. VCF-style: chr2-120990536-C-A. GRCh37 (hg19) VCF-style: chr2-121748112-C-A.
Other names: c.4622C>A, p.Ser1541Tyr (NM_001371271.1, NM_005270.5); c.4196C>A, p.Ser1399Tyr (NM_001374354.1); short protein forms S1524Y, S1541Y, S1399Y.
Identifiers: ClinVar variation 894669 (VCV000894669.12), dbSNP rs199887024, ClinGen allele CA1852665.

ClinVar aggregate classification (germline): Conflicting classifications of pathogenicity. Review status: criteria provided, conflicting classifications (1 of 4 stars). 5 submissions from 5 submitters: Uncertain significance (1); Benign (1); Likely benign (2). 1 of the submissions does not count toward it. Last evaluated 2024-10-25.

Conditions:
GLI2-related disorder. Also called: GLI2-related disorders; GLI2-related condition.
Holoprosencephaly 9 (HPE9). Also called: HOLOPROSENCEPHALY WITH MICROPHTHALMIA AND FIRST BRANCHIAL ARCH ANOMALIES; PITUITARY ANOMALIES WITH HOLOPROSENCEPHALY-LIKE FEATURES. Identifiers: Orphanet 2162, MedGen C1835819, MONDO:0012563, OMIM 610829.
Postaxial polydactyly-anterior pituitary anomalies-facial dysmorphism syndrome. Also called: Culler-Jones syndrome. Identifiers: Orphanet 420584, MedGen C4014479, MONDO:0014369, OMIM 615849.

Allele frequency attached by ClinVar (database versions not stated): gnomAD 0.00004 and 0.00005; ExAC 0.00007; gnomAD exomes 0.00008; TOPMed 0.00010; 1000 Genomes Project 0.00060; 1000 Genomes Project 30x 0.00062.
gnomAD v4.1: 51 of 1,614,054 alleles (0.0032%); highest among the groups gnomAD compares: East Asian, 0.083%; no homozygotes.

Submissions (5):

Labcorp Genetics (formerly Invitae), Labcorp
Classification: Likely benign for Postaxial polydactyly-anterior pituitary anomalies-facial dysmorphism syndrome; Holoprosencephaly 9. Last evaluated: 2024-10-25. Review status: criteria provided, single submitter. Criteria: Invitae Variant Classification Sherloc (09022015). Collection method: clinical testing. Allele origin: germline.

Blueprint Genetics
Classification: Likely benign. Last evaluated: 2023-10-18. Review status: criteria provided, single submitter. Criteria: ACMG Guidelines, 2015. Collection method: clinical testing. Allele origin: germline.

GeneDx
Classification: Uncertain significance. Last evaluated: 2019-08-13. Review status: criteria provided, single submitter. Criteria: GeneDx Variant Classification Process June 2021. Collection method: clinical testing. Allele origin: germline. Affected: yes.
Comment: In silico analysis, which includes protein predictors and evolutionary conservation, supports a deleterious effect; This variant is associated with the following publications: (PMID: 16327884, 22978696, 31386309)

Illumina Laboratory Services, Illumina
Classification: Benign for Holoprosencephaly 9. Last evaluated: 2017-04-28. Review status: criteria provided, single submitter. Criteria: ICSL Variant Classification Criteria 13 December 2019. Collection method: clinical testing. Allele origin: germline.
Comment: This variant was observed as part of a predisposition screen in an ostensibly healthy population. A literature search was performed for the gene, cDNA change, and amino acid change (where applicable). Publications were found based on this search. The evidence from the literature, in combination with allele frequency data from public databases where available, was sufficient to rule this variant out of causing disease. Therefore, this variant is classified as benign.

PreventionGenetics, part of Exact Sciences
Classification: Likely benign for GLI2-related condition. Last evaluated: 2023-08-29. Review status: no assertion criteria provided. Collection method: clinical testing. Allele origin: germline. Not counted in ClinVar's aggregate classification.
Comment: This variant is classified as likely benign based on ACMG/AMP sequence variant interpretation guidelines (Richards et al. 2015 PMID: 25741868, with internal and published modifications).

Literature cited by the submitters: PubMed 22978696 (cited by Illumina Laboratory Services, Illumina); PubMed 16327884 (cited by Illumina Laboratory Services, Illumina).